The following is an entry in ClinVar:

NM_000135.4(FANCA):c.4011-2A>G

Genes: ZNF276 (zinc finger protein 276; plus strand), FANCA (FA complementation group A; minus strand). Cytogenetic location: 16q24.3.
Variant type: single nucleotide variant.
Coding change: c.4011-2A>G on transcript NM_000135.4 (MANE Select); the canonical splice acceptor site of the intron before coding-DNA position 4011, A replaced by G.
Molecular consequence: splice acceptor variant. On other transcripts: 3 prime UTR variant (2), non-coding transcript variant (4).
Genome position (GRCh38, 1-based): chr16:89,739,291, T>C on the plus strand (A>G on the coding strand, the complement: FANCA is on the minus strand). VCF-style: chr16-89739291-T-C. GRCh37 (hg19) VCF-style: chr16-89805699-T-C.
Other names: c.*1045T>C (NM_001113525.2, NM_152287.4); c.4011-2A>G (NM_001286167.3).
Identifiers: ClinVar variation 4883934 (VCV004883934.2).

ClinVar aggregate classification (germline): Likely pathogenic (1 of 4 stars; one submission).

Submission:

Dasa
Classification: Likely pathogenic. Last evaluated: 2026-01-23. Review status: criteria provided, single submitter. Criteria: DASA Assertion Criteria. Collection method: clinical testing. Allele origin: germline.
Comment: NM_000135.4(FANCA):c.4011-2A>G affects a canonical splice site and is predicted to disrupt normal RNA splicing. Loss of function is an established disease mechanism for FANCA-associated disorders. Also, this variant is absent from population databases. Based on the currently available evidence, this variant is classified as likely pathogenic.